The following is an entry in ClinVar:

NM_181882.3(PRX):c.2591C>G (p.Ala864Gly)

Gene: PRX (periaxin; minus strand). Cytogenetic location: 19q13.2.
Variant type: single nucleotide variant.
Coding change: c.2591C>G on transcript NM_181882.3 (MANE Select); coding-DNA position 2591, C replaced by G.
Protein change: p.Ala864Gly; replaces alanine 864 with glycine.
Molecular consequence: missense variant. On other transcripts: 3 prime UTR variant (1).
Genome position (GRCh38, 1-based): chr19:40,395,761, G>C on the plus strand (C>G on the coding strand, the complement: PRX is on the minus strand). VCF-style: chr19-40395761-G-C. GRCh37 (hg19) VCF-style: chr19-40901668-G-C.
Other names: c.*2796C>G (NM_020956.2); short protein forms A864G.
Identifiers: ClinVar variation 1434310 (VCV001434310.8), dbSNP rs777582529, ClinGen allele CA9444027.

ClinVar aggregate classification (germline): Uncertain significance (1 of 4 stars; one submission).

Conditions:
Charcot-Marie-Tooth disease type 4. Also called: Charcot-Marie-Tooth disease, type IV; Charcot-Marie-Tooth, Type 4. Identifiers: Orphanet 64749, MedGen C4082197, MONDO:0018995.

Allele frequency attached by ClinVar (database versions not stated): TOPMed below 0.00001; ExAC 0.00001; gnomAD exomes 0.00001.

Submission:

Labcorp Genetics (formerly Invitae), Labcorp
Classification: Uncertain significance for Charcot-Marie-Tooth disease type 4. Last evaluated: 2021-03-03. Review status: criteria provided, single submitter. Criteria: Invitae Variant Classification Sherloc (09022015). Collection method: clinical testing. Allele origin: germline.
Comment: In summary, the available evidence is currently insufficient to determine the role of this variant in disease. Therefore, it has been classified as a Variant of Uncertain Significance. Algorithms developed to predict the effect of missense changes on protein structure and function are either unavailable or do not agree on the potential impact of this missense change (SIFT: "Tolerated"; PolyPhen-2: "Possibly Damaging"; Align-GVGD: "Class C0"). This variant has not been reported in the literature in individuals with PRX-related conditions. This variant is present in population databases (rs777582529, ExAC 0.009%). This sequence change replaces alanine with glycine at codon 864 of the PRX protein (p.Ala864Gly). The alanine residue is moderately conserved and there is a small physicochemical difference between alanine and glycine.